The following is an entry in ClinVar:

ClinVar aggregate classification (germline): Uncertain significance. Review status: criteria provided, multiple submitters, no conflicts (2 of 4 stars). 3 submissions from 3 submitters: Uncertain significance (3). Last evaluated 2025-12-08.

Conditions:
Hereditary cancer-predisposing syndrome. Also called: Neoplastic Syndromes, Hereditary; Tumor predisposition; Hereditary Cancer Syndrome; Hereditary neoplastic syndrome. Identifiers: Orphanet 140162, MedGen C0027672, MeSH D009386, MONDO:0015356.
Multiple endocrine neoplasia, type 2 (MEN2). Identifiers: Orphanet 653, MedGen C4048306, MONDO:0019003. Disease mechanism: gain of function.
Hirschsprung disease, susceptibility to, 1 (HSCR1). Also called: RET-Related Hirschsprung Disease. Identifiers: Orphanet 388, MedGen C3888239, MONDO:0007723, OMIM 142623.

gnomAD v4.1: 4 of 1,612,142 alleles (0.00025%); highest among the groups gnomAD compares: Admixed American, 0.0017%; no homozygotes.

Submissions (3):

Ambry Genetics
Classification: Uncertain significance for Hereditary cancer-predisposing syndrome. Last evaluated: 2025-12-08. Review status: criteria provided, single submitter. Criteria: Ambry Variant Classification Scheme 2023. Collection method: clinical testing. Allele origin: germline.

Labcorp Genetics (formerly Invitae), Labcorp
Classification: Uncertain significance for Multiple endocrine neoplasia, type 2. Last evaluated: 2025-06-20. Review status: criteria provided, single submitter. Criteria: Invitae Variant Classification Sherloc (09022015). Collection method: clinical testing. Allele origin: germline.
Comment: This sequence change replaces arginine, which is basic and polar, with cysteine, which is neutral and slightly polar, at codon 297 of the RET protein (p.Arg297Cys). This variant is not present in population databases (gnomAD no frequency). This variant has not been reported in the literature in individuals affected with RET-related conditions. ClinVar contains an entry for this variant (Variation ID: 1765018). An algorithm developed to predict the effect of missense changes on protein structure and function (PolyPhen-2) suggests that this variant is likely to be disruptive. In summary, the available evidence is currently insufficient to determine the role of this variant in disease. Therefore, it has been classified as a Variant of Uncertain Significance.

Baylor Genetics
Classification: Uncertain significance for Hirschsprung disease, susceptibility to, 1. Last evaluated: 2023-10-31. Review status: criteria provided, single submitter. Criteria: ACMG Guidelines, 2015. Collection method: clinical testing. Allele origin: unknown.

NM_020975.6(RET):c.889C>T (p.Arg297Cys)

Gene: RET (ret proto-oncogene; plus strand). Cytogenetic location: 10q11.21.
Variant type: single nucleotide variant.
Coding change: c.889C>T on transcript NM_020975.6 (MANE Select); coding-DNA position 889, C replaced by T.
Protein change: p.Arg297Cys; replaces arginine 297 with cysteine.
Molecular consequence: missense variant.
Genome position (GRCh38, 1-based): chr10:43,106,397, C>T. VCF-style: chr10-43106397-C-T. GRCh37 (hg19) VCF-style: chr10-43601845-C-T.
Other names: c.889C>T, p.Arg297Cys (NM_000323.2, NM_001406743.1, NM_001406744.1 and 6 more transcripts); c.127C>T, p.Arg43Cys (NM_001355216.2); c.760C>T, p.Arg254Cys (NM_001406761.1, NM_001406762.1, NM_001406764.1 and 1 more transcripts); c.601C>T, p.Arg201Cys (NM_001406766.1, NM_001406767.1, NM_001406770.1); short protein forms R254C, R201C, R297C, R43C.
Identifiers: ClinVar variation 1765018 (VCV001765018.9), dbSNP rs1174031292, ClinGen allele CA376545702.